The following is an entry in ClinVar:

NM_001048174.2(MUTYH):c.379A>T (p.Lys127Ter)

Gene: MUTYH (mutY DNA glycosylase; minus strand). Cytogenetic location: 1p34.1.
Variant type: single nucleotide variant.
Coding change: c.379A>T on transcript NM_001048174.2 (MANE Select); coding-DNA position 379, A replaced by T.
Protein change: p.Lys127Ter; replaces lysine 127 with a stop codon.
Molecular consequence: nonsense. On other transcripts: non-coding transcript variant (2).
Genome position (GRCh38, 1-based): chr1:45,332,959, T>A on the plus strand (A>T on the coding strand, the complement: MUTYH is on the minus strand). VCF-style: chr1-45332959-T-A. GRCh37 (hg19) VCF-style: chr1-45798631-T-A.
Other names: c.379A>T, p.Lys127Ter (NM_001048171.2, NM_001048173.2, NM_001293195.2); c.382A>T, p.Lys128Ter (NM_001048172.2); c.463A>T, p.Lys155Ter (NM_001128425.2); c.424A>T, p.Lys142Ter (NM_001293190.2); c.412A>T, p.Lys138Ter (NM_001293191.2); c.103A>T, p.Lys35Ter (NM_001293192.2, NM_001293196.2); c.34A>T, p.Lys12Ter (NM_001350650.2, NM_001350651.2); c.454A>T, p.Lys152Ter (NM_012222.3); short protein forms K155*, K128*, K152*, K35*, K12*, K142*, K127*, K138*.
Identifiers: ClinVar variation 234000 (VCV000234000.19), dbSNP rs876660787, ClinGen allele CA10577735.
Genomic context (GRCh38, chr1:45,332,959, plus strand): 5'-ACCCTAGGGTGGCTCTCACCTCCAGGGAAGCACTGGCCAGGTCCTGCAGTGTAGGCCACT[T>A]CTATAGCCACAGGCAGGCAGAAAGAGACAAGGTCAAGGGTGAAGGTGGTAGAGGAAGCCT-3'

ClinVar aggregate classification (germline): Pathogenic/Likely pathogenic. Review status: criteria provided, multiple submitters, no conflicts (2 of 4 stars). 6 submissions from 6 submitters: Pathogenic (5); Likely pathogenic (1). Last evaluated 2025-07-24.

Conditions:
Hereditary cancer-predisposing syndrome. Also called: Tumor predisposition; Hereditary Cancer Syndrome; Neoplastic Syndromes, Hereditary; Hereditary neoplastic syndrome. Identifiers: Orphanet 140162, MedGen C0027672, MeSH D009386, MONDO:0015356.
Familial adenomatous polyposis 2. Also called: MYH-associated polyposis; FAP type 2; ADENOMAS, MULTIPLE COLORECTAL, AUTOSOMAL RECESSIVE; MUTYH Polyposis; MUTYH-associated polyposis; MUTYH-related attenuated familial adenomatous polyposis. Identifiers: Orphanet 220460, Orphanet 247798, MedGen C3272841, MONDO:0012041, OMIM 608456.

Allele frequency attached by ClinVar (database versions not stated): gnomAD exomes below 0.00001.
gnomAD v4.1: 1 of 1,614,020 alleles (0.000062%); highest among the groups gnomAD compares: African/African-American, 0.0013%; no homozygotes.

Submissions (6):

Labcorp Genetics (formerly Invitae), Labcorp
Classification: Pathogenic for Familial adenomatous polyposis 2. Last evaluated: 2025-07-24. Review status: criteria provided, single submitter. Criteria: Invitae Variant Classification Sherloc (09022015). Collection method: clinical testing. Allele origin: germline.
Comment: This sequence change creates a premature translational stop signal (p.Lys155*) in the MUTYH gene. It is expected to result in an absent or disrupted protein product. Loss-of-function variants in MUTYH are known to be pathogenic (PMID: 18534194, 20663686). This variant is present in population databases (no rsID available, gnomAD 0.007%). This variant has not been reported in the literature in individuals affected with MUTYH-related conditions. ClinVar contains an entry for this variant (Variation ID: 234000). Algorithms developed to predict the effect of sequence changes on RNA splicing suggest that this variant may disrupt the consensus splice site. For these reasons, this variant has been classified as Pathogenic.

Ambry Genetics
Classification: Pathogenic for Hereditary cancer-predisposing syndrome. Last evaluated: 2025-02-12. Review status: criteria provided, single submitter. Criteria: Ambry Variant Classification Scheme 2023. Collection method: clinical testing. Allele origin: germline.
Comment: The p.K155* pathogenic mutation (also known as c.463A>T), located in coding exon 6 of the MUTYH gene, results from an A to T substitution at nucleotide position 463. This changes the amino acid from a lysine to a stop codon within coding exon 6. However, this change occurs in the first base pair of coding exon 6, which means it may have some effect on normal mRNA splicing. This nucleotide position is well conserved in available vertebrate species. In silico splice site analysis for this alteration is inconclusive. RNA studies have demonstrated that this alteration results in abnormal splicing in the set of samples tested (Ambry internal data). This alteration is expected to result in an abnormal protein or in a transcript that is subject to nonsense-mediated mRNA decay. As such, this alteration is interpreted as a disease-causing mutation.

GeneDx
Classification: Pathogenic. Last evaluated: 2024-09-30. Review status: criteria provided, single submitter. Criteria: GeneDx Variant Classification Process June 2021. Collection method: clinical testing. Allele origin: germline. Affected: yes.
Comment: Nonsense variant predicted to result in protein truncation or nonsense mediated decay in a gene for which loss of function is a known mechanism of disease; Not observed at significant frequency in large population cohorts (gnomAD); Has not been previously published as pathogenic or benign to our knowledge

All of Us Research Program, National Institutes of Health
Classification: Pathogenic for Familial adenomatous polyposis 2. Last evaluated: 2024-08-06. Review status: criteria provided, single submitter. Criteria: ACMG Guidelines, 2015. Collection method: clinical testing. Allele origin: germline. Inheritance: Autosomal recessive inheritance. Observed: 1 variant allele, 1 heterozygote.
Comment: This variant changes 1 nucleotide in exon 6 of the MUTYH gene, creating a premature translation stop signal. This variant is expected to result in an absent or non-functional protein product. This variant has not been reported in individuals affected with hereditary cancer in the literature. This variant has been identified in 1/250418 chromosomes in the general population by the Genome Aggregation Database (gnomAD). Loss of MUTYH function is a known mechanism of disease. Based on the available evidence, this variant is classified as Pathogenic.

This study involves interpretation of variants in research participants for the purpose of population health screening. Participant phenotype was not available at the time of variant classification. Additional details can be found in publication PMID: 35346344, PMCID: PMC8962531

Color Diagnostics, LLC DBA Color Health
Classification: Pathogenic for Hereditary cancer-predisposing syndrome. Last evaluated: 2023-10-02. Review status: criteria provided, single submitter. Criteria: ACMG Guidelines, 2015. Collection method: clinical testing. Allele origin: germline.
Comment: This variant changes 1 nucleotide in exon 6 of the MUTYH gene, creating a premature translation stop signal. This variant is expected to result in an absent or non-functional protein product. This variant has not been reported in individuals affected with hereditary cancer in the literature. This variant has been identified in 1/250418 chromosomes in the general population by the Genome Aggregation Database (gnomAD). Loss of MUTYH function is a known mechanism of disease. Based on the available evidence, this variant is classified as Pathogenic.

Baylor Genetics
Classification: Likely pathogenic for Familial adenomatous polyposis 2. Last evaluated: 2022-01-17. Review status: criteria provided, single submitter. Criteria: ACMG Guidelines, 2015. Collection method: clinical testing. Allele origin: unknown.

Literature cited by the submitters: PubMed 18534194 (cited by Labcorp Genetics (formerly Invitae), Labcorp); PubMed 20663686 (cited by Labcorp Genetics (formerly Invitae), Labcorp).